The following is an entry in ClinVar:

ClinVar aggregate classification (germline): Uncertain significance (1 of 4 stars; one submission).

gnomAD v4.1: 124 of 1,612,960 alleles (0.0077%); highest among the groups gnomAD compares: Non-Finnish European, 0.01%; no homozygotes.

Submission:

Labcorp Genetics (formerly Invitae), Labcorp
Classification: Uncertain significance. Last evaluated: 2025-12-10. Review status: criteria provided, single submitter. Criteria: Invitae Variant Classification Sherloc (09022015). Collection method: clinical testing. Allele origin: germline.
Comment: This sequence change replaces glutamic acid, which is acidic and polar, with lysine, which is basic and polar, at codon 135 of the FGFR3 protein (p.Glu135Lys). This variant is present in population databases (rs774962503, gnomAD 0.003%). This variant has not been reported in the literature in individuals affected with FGFR3-related conditions. Invitae Evidence Modeling of protein sequence and biophysical properties (such as structural, functional, and spatial information, amino acid conservation, physicochemical variation, residue mobility, and thermodynamic stability) has been performed for this missense variant. However, the output from this modeling did not meet the statistical confidence thresholds required to predict the impact of this variant on FGFR3 protein function. In summary, the available evidence is currently insufficient to determine the role of this variant in disease. Therefore, it has been classified as a Variant of Uncertain Significance.

NM_000142.5(FGFR3):c.403G>A (p.Glu135Lys)

Gene: FGFR3 (fibroblast growth factor receptor 3; plus strand). Cytogenetic location: 4p16.3.
Variant type: single nucleotide variant.
Coding change: c.403G>A on transcript NM_000142.5 (MANE Select); coding-DNA position 403, G replaced by A.
Protein change: p.Glu135Lys; replaces glutamic acid 135 with lysine.
Molecular consequence: missense variant. On other transcripts: non-coding transcript variant (1).
Genome position (GRCh38, 1-based): chr4:1,799,770, G>A. VCF-style: chr4-1799770-G-A. GRCh37 (hg19) VCF-style: chr4-1801497-G-A.
Other names: c.403G>A, p.Glu135Lys (NM_001163213.2, NM_001354809.2, NM_001354810.2 and 1 more transcripts); short protein forms E135K.
Identifiers: ClinVar variation 4809973 (VCV004809973.1).